The following is an entry in ClinVar:

ClinVar aggregate classification (germline): Uncertain significance. Review status: criteria provided, multiple submitters, no conflicts (2 of 4 stars). 2 submissions from 2 submitters: Uncertain significance (2). Last evaluated 2022-02-18.

Conditions:
Inborn genetic diseases. Identifiers: MedGen C0950123, MeSH D030342.

Allele frequency attached by ClinVar (database versions not stated): gnomAD exomes 0.00002; ExAC 0.00004; gnomAD 0.00008; TOPMed 0.00011.
gnomAD v4.1: 45 of 1,613,870 alleles (0.0028%); highest among the groups gnomAD compares: Admixed American, 0.062%; no homozygotes.

Submissions (2):

Labcorp Genetics (formerly Invitae), Labcorp
Classification: Uncertain significance. Last evaluated: 2022-02-18. Review status: criteria provided, single submitter. Criteria: Invitae Variant Classification Sherloc (09022015). Collection method: clinical testing. Allele origin: germline.
Comment: This sequence change replaces leucine, which is neutral and non-polar, with valine, which is neutral and non-polar, at codon 4201 of the FAT1 protein (p.Leu4201Val). This variant is present in population databases (rs756398778, gnomAD 0.05%). This variant has not been reported in the literature in individuals affected with FAT1-related conditions. Algorithms developed to predict the effect of missense changes on protein structure and function output the following: SIFT: "Tolerated"; PolyPhen-2: "Benign"; Align-GVGD: "Class C0". The valine amino acid residue is found in multiple mammalian species, which suggests that this missense change does not adversely affect protein function. In summary, the available evidence is currently insufficient to determine the role of this variant in disease. Therefore, it has been classified as a Variant of Uncertain Significance.

Ambry Genetics
Classification: Uncertain significance for Inborn genetic diseases. Last evaluated: 2022-01-31. Review status: criteria provided, single submitter. Criteria: Ambry Variant Classification Scheme 2023. Collection method: clinical testing. Allele origin: germline.

NM_005245.4(FAT1):c.12601C>G (p.Leu4201Val)

Gene: FAT1 (FAT atypical cadherin 1; minus strand). Cytogenetic location: 4q35.2.
Variant type: single nucleotide variant.
Coding change: c.12601C>G on transcript NM_005245.4 (MANE Select); coding-DNA position 12601, C replaced by G.
Protein change: p.Leu4201Val; replaces leucine 4201 with valine.
Molecular consequence: missense variant.
Genome position (GRCh38, 1-based): chr4:186,596,939, G>C on the plus strand (C>G on the coding strand, the complement: FAT1 is on the minus strand). VCF-style: chr4-186596939-G-C. GRCh37 (hg19) VCF-style: chr4-187518093-G-C.
Other names: short protein forms L4201V.
Identifiers: ClinVar variation 2064949 (VCV002064949.2), dbSNP rs756398778, ClinGen allele CA3164776.